The following is an entry in ClinVar:

NM_000245.4(MET):c.3016A>C (p.Thr1006Pro)

Gene: MET (MET proto-oncogene, receptor tyrosine kinase; plus strand). Cytogenetic location: 7q31.2.
Variant type: single nucleotide variant.
Coding change: c.3016A>C on transcript NM_000245.4 (MANE Select); coding-DNA position 3016, A replaced by C.
Protein change: p.Thr1006Pro; replaces threonine 1006 with proline.
Molecular consequence: missense variant.
Genome position (GRCh38, 1-based): chr7:116,771,977, A>C. VCF-style: chr7-116771977-A-C. GRCh37 (hg19) VCF-style: chr7-116412031-A-C.
Other names: c.3070A>C, p.Thr1024Pro (NM_001127500.3); c.1726A>C, p.Thr576Pro (NM_001324402.2); short protein forms T1006P, T1024P, T576P.
Identifiers: ClinVar variation 4825361 (VCV004825361.1).

ClinVar aggregate classification (germline): Uncertain significance (1 of 4 stars; one submission).

Conditions:
Hereditary cancer-predisposing syndrome. Also called: Neoplastic Syndromes, Hereditary; Tumor predisposition; Hereditary Cancer Syndrome; Hereditary neoplastic syndrome. Identifiers: Orphanet 140162, MedGen C0027672, MeSH D009386, MONDO:0015356.

Submission:

Ambry Genetics
Classification: Uncertain significance for Hereditary cancer-predisposing syndrome. Last evaluated: 2026-02-14. Review status: criteria provided, single submitter. Criteria: Ambry Variant Classification Scheme 2023. Collection method: clinical testing. Allele origin: germline.
Comment: The p.T1024P variant (also known as c.3070A>C), located in coding exon 13 of the MET gene, results from an A to C substitution at nucleotide position 3070. The threonine at codon 1024 is replaced by proline, an amino acid with highly similar properties. This amino acid position is conserved. In addition, the in silico prediction for this alteration is inconclusive. Based on the available evidence, the clinical significance of this variant remains unclear.